The following is an entry in ClinVar:

ClinVar aggregate classification (germline): Uncertain significance (1 of 4 stars; one submission).

Submission:

Dasa
Classification: Uncertain significance. Last evaluated: 2024-11-08. Review status: criteria provided, single submitter. Criteria: DASA Assertion Criteria. Collection method: clinical testing. Allele origin: germline.
Comment: NM_001270.4(CHD1):c.1753A>T (p.Lys585*) is a nonsense variant in CHD1 predicted to introduce a premature termination codon. This variant is absent from population databases. The currently available literature and clinical evidence are not sufficient to establish a definitive association between this variant and the reported condition. Therefore, this variant is classified as a variant of uncertain significance.

NM_001270.4(CHD1):c.1753A>T (p.Lys585Ter)

Gene: CHD1 (chromodomain helicase DNA binding protein 1; minus strand). Cytogenetic location: 5q15.
Variant type: single nucleotide variant.
Coding change: c.1753A>T on transcript NM_001270.4 (MANE Select); coding-DNA position 1753, A replaced by T.
Protein change: p.Lys585Ter; replaces lysine 585 with a stop codon.
Molecular consequence: nonsense. On other transcripts: non-coding transcript variant (2).
Genome position (GRCh38, 1-based): chr5:98,894,644, T>A on the plus strand (A>T on the coding strand, the complement: CHD1 is on the minus strand). VCF-style: chr5-98894644-T-A. GRCh37 (hg19) VCF-style: chr5-98230348-T-A.
Other names: c.1753A>T, p.Lys585Ter (NM_001364113.3, NM_001376194.2); short protein forms K585*.
Identifiers: ClinVar variation 4881054 (VCV004881054.2).